The following is an entry in ClinVar:

ClinVar aggregate classification (germline): Benign. Review status: criteria provided, multiple submitters, no conflicts (2 of 4 stars). 8 submissions from 8 submitters: Benign (7). 1 of the submissions does not count toward it. Last evaluated 2026-02-01.

Conditions:
Disorders of Intracellular Cobalamin Metabolism. Identifiers: MedGen CN043592.
Methylcobalamin deficiency type cblE (HMAE). Also called: HOMOCYSTINURIA-MEGALOBLASTIC ANEMIA, cblE COMPLEMENTATION TYPE; HOMOCYSTINURIA-MEGALOBLASTIC ANEMIA, cblE TYPE; VITAMIN B12-RESPONSIVE HOMOCYSTINURIA, cblE TYPE. Identifiers: Orphanet 2169, Orphanet 622, MedGen C1856057, MONDO:0009354, OMIM 236270.

Allele frequency attached by ClinVar (database versions not stated): ESP Exome Variant Server 0.01945; gnomAD exomes 0.02033 and 0.01537; 1000 Genomes Project 0.00799; 1000 Genomes Project 30x 0.00843; ExAC 0.01526; gnomAD 0.01624 and 0.01706; TOPMed 0.01665.
gnomAD v4.1: 32,125 of 1,614,002 alleles (2%); highest among the groups gnomAD compares: Non-Finnish European, 2.4%; 364 homozygotes.

Submissions (8):

Labcorp Genetics (formerly Invitae), Labcorp
Classification: Benign for Methylcobalamin deficiency type cblE. Last evaluated: 2026-02-01. Review status: criteria provided, single submitter. Criteria: Invitae Variant Classification Sherloc (09022015). Collection method: clinical testing. Allele origin: germline.

ARUP Laboratories, Molecular Genetics and Genomics, ARUP Laboratories
Classification: Benign. Last evaluated: 2023-09-13. Review status: criteria provided, single submitter. Criteria: ARUP Molecular Germline Variant Investigation Process 2024. Collection method: clinical testing. Allele origin: germline.

Mayo Clinic Laboratories, Mayo Clinic
Classification: Benign. Last evaluated: 2023-08-15. Review status: criteria provided, single submitter. Criteria: ACMG Guidelines, 2015. Collection method: clinical testing. Allele origin: germline. Observed: 6 variant alleles.
Comment: BA1, BP4, BP7

Genome-Nilou Lab
Classification: Benign for Methylcobalamin deficiency type cblE. Last evaluated: 2021-05-18. Review status: criteria provided, single submitter. Criteria: ACMG Guidelines, 2015. Collection method: clinical testing. Allele origin: germline. Affected: no.

Illumina Laboratory Services, Illumina
Classification: Benign for Disorders of Intracellular Cobalamin Metabolism. Last evaluated: 2018-01-13. Review status: criteria provided, single submitter. Criteria: ICSL Variant Classification Criteria 13 December 2019. Collection method: clinical testing. Allele origin: germline.
Comment: This variant was observed in the ICSL laboratory as part of a predisposition screen in an ostensibly healthy population. It had not been previously curated by ICSL or reported in the Human Gene Mutation Database (HGMD: prior to June 1st, 2018), and was therefore a candidate for classification through an automated scoring system. Utilizing variant allele frequency, disease prevalence and penetrance estimates, and inheritance mode, an automated score was calculated to assess if this variant is too frequent to cause the disease. Based on the score and internal cut-off values, a variant classified as benign is not then subjected to further curation. The score for this variant resulted in a classification of benign for this disease.

GeneDx
Classification: Benign. Last evaluated: 2014-05-16. Review status: criteria provided, single submitter. Criteria: GeneDx Variant Classification (06012015). Collection method: clinical testing. Allele origin: germline. Affected: yes.
Comment: This variant is considered likely benign or benign based on one or more of the following criteria: it is a conservative change, it occurs at a poorly conserved position in the protein, it is predicted to be benign by multiple in silico algorithms, and/or has population frequency not consistent with disease.

Breakthrough Genomics
Classification: Benign. Review status: criteria provided, single submitter. Criteria: ACMG Guidelines, 2015. Collection method: not provided. Allele origin: germline. Inheritance: Autosomal recessive inheritance. Affected: yes.

Natera, Inc.
Classification: Benign for CblE complementation type homocystinuria-megaloblastic anemia due to defect in cobalamin metabolism. Last evaluated: 2020-09-16. Review status: no assertion criteria provided. Collection method: clinical testing. Allele origin: germline. Not counted in ClinVar's aggregate classification.

NM_002454.3(MTRR):c.1761T>C (p.Tyr587=)

Gene: MTRR (5-methyltetrahydrofolate-homocysteine methyltransferase reductase; plus strand). Cytogenetic location: 5p15.31.
Variant type: single nucleotide variant.
Coding change: c.1761T>C on transcript NM_002454.3 (MANE Select); coding-DNA position 1761, T replaced by C.
Protein change: p.Tyr587=; no amino-acid change (tyrosine 587 retained).
Molecular consequence: synonymous variant. On other transcripts: non-coding transcript variant (14).
Genome position (GRCh38, 1-based): chr5:7,896,948, T>C. VCF-style: chr5-7896948-T-C. GRCh37 (hg19) VCF-style: chr5-7897061-T-C.
Other names: p.Y614Y:TAT>TAC; p.Tyr587=; c.1761T>C, p.Tyr587= (NM_001364440.2, NM_001364441.2, NM_001364442.2 and 1 more transcripts).
Identifiers: ClinVar variation 138299 (VCV000138299.29), dbSNP rs6874544, ClinGen allele CA292234.